The following is an entry in ClinVar:

NM_000023.4(SGCA):c.574del (p.Arg192fs)

Gene: SGCA (sarcoglycan alpha; plus strand). Cytogenetic location: 17q21.33.
Variant type: Deletion.
Coding change: c.574del on transcript NM_000023.4 (MANE Select); coding-DNA position 574, one base deleted (C; older notation c.574delC).
Protein change: p.Arg192fs; shifts the reading frame from arginine 192.
Molecular consequence: frameshift variant. On other transcripts: non-coding transcript variant (1).
Genome position (GRCh38, 1-based): chr17:50,168,562, C deleted; the last of 2 consecutive C bases (chr17:50,168,561-50,168,562); deleting either gives the same sequence. VCF-style (leftmost placement, unchanged base first): chr17-50168560-GC-G. GRCh37 (hg19) VCF-style: chr17-48245921-GC-G.
Other names: c.574del, p.Arg192fs (NM_001135697.3); short protein forms R192fs.
Identifiers: ClinVar variation 4081796 (VCV004081796.1).

ClinVar aggregate classification (germline): Pathogenic (1 of 4 stars; one submission).

Conditions:
Autosomal recessive limb-girdle muscular dystrophy type 2D (LGMDR3). Also called: MUSCULAR DYSTROPHY, LIMB-GIRDLE, AUTOSOMAL RECESSIVE 3; DUCHENNE-LIKE AUTOSOMAL RECESSIVE MUSCULAR DYSTROPHY, TYPE 2; ADHALINOPATHY, PRIMARY. Identifiers: Orphanet 62, MedGen C2936332, MONDO:0011968, OMIM 608099. Disease mechanism: Affects gamma-sarcoglycan and also disrupts the integrity of the entire sarcoglycan complex..

Submission:

Myriad Genetics, Inc.
Classification: Pathogenic for Autosomal recessive limb-girdle muscular dystrophy type 2D. Last evaluated: 2025-04-14. Review status: criteria provided, single submitter. Criteria: Myriad Autosomal Dominant, Autosomal Recessive and X-Linked Classification Criteria (2023). Collection method: clinical testing. Allele origin: unknown.
Comment: NM_000023.2(SGCA):c.574delC(R192Efs*19) is a frameshift variant classified as pathogenic in the context of alpha-sarcoglycanopathy. R192Efs*19 has not been observed in cases with relevant disease. Relevant functional assessments of this variant are not available in the literature. R192Efs*19 has not been observed in referenced population frequency databases. In summary, NM_000023.2(SGCA):c.574delC(R192Efs*19) is a frameshift variant in a gene where loss of function is a known mechanism of disease and is predicted to disrupt protein function. Please note: this variant was assessed in the context of healthy population screening.